The following is an entry in ClinVar:

ClinVar aggregate classification (germline): Uncertain significance (1 of 4 stars; one submission).

Allele frequency attached by ClinVar (database versions not stated): ExAC 0.00001; gnomAD exomes 0.00001; TOPMed 0.00001; ESP Exome Variant Server 0.00008.
gnomAD v4.1: 12 of 1,612,476 alleles (0.00074%); highest among the groups gnomAD compares: Middle Eastern, 0.017%; no homozygotes.

Submission:

Labcorp Genetics (formerly Invitae), Labcorp
Classification: Uncertain significance. Last evaluated: 2022-07-23. Review status: criteria provided, single submitter. Criteria: Invitae Variant Classification Sherloc (09022015). Collection method: clinical testing. Allele origin: germline.
Comment: In summary, the available evidence is currently insufficient to determine the role of this variant in disease. Therefore, it has been classified as a Variant of Uncertain Significance. Algorithms developed to predict the effect of missense changes on protein structure and function are either unavailable or do not agree on the potential impact of this missense change (SIFT: "Deleterious"; PolyPhen-2: "Probably Damaging"; Align-GVGD: "Class C0"). This variant has not been reported in the literature in individuals affected with HMCN1-related conditions. This variant is present in population databases (rs147131235, gnomAD 0.003%). This sequence change replaces lysine, which is basic and polar, with glutamic acid, which is acidic and polar, at codon 1862 of the HMCN1 protein (p.Lys1862Glu).

NM_031935.3(HMCN1):c.5584A>G (p.Lys1862Glu)

Gene: HMCN1 (hemicentin 1; plus strand). Cytogenetic location: 1q31.1.
Variant type: single nucleotide variant.
Coding change: c.5584A>G on transcript NM_031935.3 (MANE Select); coding-DNA position 5584, A replaced by G.
Protein change: p.Lys1862Glu; replaces lysine 1862 with glutamic acid.
Molecular consequence: missense variant.
Genome position (GRCh38, 1-based): chr1:186,019,654, A>G. VCF-style: chr1-186019654-A-G. GRCh37 (hg19) VCF-style: chr1-185988786-A-G.
Other names: short protein forms K1862E.
Identifiers: ClinVar variation 2168859 (VCV002168859.4), dbSNP rs147131235, ClinGen allele CA1292301.